The following is an entry in ClinVar:

ClinVar aggregate classification (germline): Uncertain significance. Review status: criteria provided, multiple submitters, no conflicts (2 of 4 stars). 5 submissions from 5 submitters: Uncertain significance (5). Last evaluated 2025-06-22.

Conditions:
Hereditary cancer-predisposing syndrome. Also called: Tumor predisposition; Hereditary Cancer Syndrome; Hereditary neoplastic syndrome; Neoplastic Syndromes, Hereditary. Identifiers: Orphanet 140162, MedGen C0027672, MeSH D009386, MONDO:0015356.
Familial cancer of breast. Also called: BREAST CANCER, FAMILIAL; Hereditary breast cancer; hereditary breast carcinoma. Identifiers: Orphanet 227535, MedGen C0346153, MONDO:0016419, OMIM 114480. Disease mechanism: loss of function.

Submissions (5):

Labcorp Genetics (formerly Invitae), Labcorp
Classification: Uncertain significance for Familial cancer of breast. Last evaluated: 2025-06-22. Review status: criteria provided, single submitter. Criteria: Invitae Variant Classification Sherloc (09022015). Collection method: clinical testing. Allele origin: germline.
Comment: This sequence change replaces tyrosine, which is neutral and polar, with cysteine, which is neutral and slightly polar, at codon 404 of the CHEK2 protein (p.Tyr404Cys). This variant is not present in population databases (gnomAD no frequency). This missense change has been observed in individual(s) with breast cancer (PMID: 36315097). ClinVar contains an entry for this variant (Variation ID: 410043). An algorithm developed to predict the effect of missense changes on protein structure and function (PolyPhen-2) suggests that this variant is likely to be disruptive. In summary, the available evidence is currently insufficient to determine the role of this variant in disease. Therefore, it has been classified as a Variant of Uncertain Significance.

Ambry Genetics
Classification: Uncertain significance for Hereditary cancer-predisposing syndrome. Last evaluated: 2024-05-21. Review status: criteria provided, single submitter. Criteria: Ambry Variant Classification Scheme 2023. Collection method: clinical testing. Allele origin: germline.
Comment: The p.Y404C variant (also known as c.1211A>G), located in coding exon 10 of the CHEK2 gene, results from an A to G substitution at nucleotide position 1211. The tyrosine at codon 404 is replaced by cysteine, an amino acid with highly dissimilar properties. This alteration was reported as functionally impaired in a study assessing CHEK2-complementation through quantification of KAP1 phosphorylation and CHK2 autophosphorylation in human RPE1-CHEK2-knockout cells (Stolarova L et al. Clin Cancer Res. 2023 Aug;29:3037-3050). This amino acid position is highly conserved in available vertebrate species. In addition, this alteration is predicted to be deleterious by in silico analysis. Based on the available evidence, the clinical significance of this variant remains unclear.

Baylor Genetics
Classification: Uncertain significance for Familial cancer of breast. Last evaluated: 2023-07-19. Review status: criteria provided, single submitter. Criteria: ACMG Guidelines, 2015. Collection method: clinical testing. Allele origin: unknown.

Color Diagnostics, LLC DBA Color Health
Classification: Uncertain significance for Hereditary cancer-predisposing syndrome. Last evaluated: 2023-04-17. Review status: criteria provided, single submitter. Criteria: ACMG Guidelines, 2015. Collection method: clinical testing. Allele origin: germline.
Comment: This missense variant replaces tyrosine with cysteine at codon 404 of the CHEK2 protein. Computational prediction suggests that this variant may have deleterious impact on protein structure and function (internally defined REVEL score threshold >= 0.7, PMID: 27666373). To our knowledge, functional studies have not been reported for this variant. This variant has been reported in an individual affected with breast cancer (PMID: 36315097). This variant has not been identified in the general population by the Genome Aggregation Database (gnomAD). The available evidence is insufficient to determine the role of this variant in disease conclusively. Therefore, this variant is classified as a Variant of Uncertain Significance.

Sema4
Classification: Uncertain significance for Hereditary cancer-predisposing syndrome. Last evaluated: 2022-01-27. Review status: criteria provided, single submitter. Criteria: Sema4 Curation Guidelines. Collection method: curation. Allele origin: germline.
Comment: To the best of our knowledge, the CHEK2 c.1211A>G (p.Y404C) variant has not been reported in individuals with CHEK2-related disease. It was not observed in the large and broad cohorts of the Genome Aggregation Database (PMID: 32461654). This variant has been reported in ClinVar (Variation ID 410043). In silico tools suggest the impact of the variant on protein function is deleterious, though these predictions have not been confirmed by functional studies. The evidence is insufficient to meet ACMG/AMP criteria for classifying the variant as benign or pathogenic. Thus, the clinical significance of this variant is currently uncertain.

Literature cited by the submitters: PubMed 36315097 (cited by Labcorp Genetics (formerly Invitae), Labcorp and Color Diagnostics, LLC DBA Color Health); PubMed 37449874 (cited by Ambry Genetics).

NM_007194.4(CHEK2):c.1211A>G (p.Tyr404Cys)

Gene: CHEK2 (checkpoint kinase 2; minus strand). Cytogenetic location: 22q12.1.
Variant type: single nucleotide variant.
Coding change: c.1211A>G on transcript NM_007194.4 (MANE Select); coding-DNA position 1211, A replaced by G.
Protein change: p.Tyr404Cys; replaces tyrosine 404 with cysteine.
Molecular consequence: missense variant.
Genome position (GRCh38, 1-based): chr22:28,695,758, T>C on the plus strand (A>G on the coding strand, the complement: CHEK2 is on the minus strand). VCF-style: chr22-28695758-T-C. GRCh37 (hg19) VCF-style: chr22-29091746-T-C.
Other names: c.1340A>G, p.Tyr447Cys (NM_001005735.3); c.548A>G, p.Tyr183Cys (NM_001257387.3); c.1010A>G, p.Tyr337Cys (NM_001349956.3); c.1124A>G, p.Tyr375Cys (NM_145862.3); short protein forms Y404C, Y183C, Y337C, Y447C, Y375C.
Identifiers: ClinVar variation 410043 (VCV000410043.18), dbSNP rs1060502707, ClinGen allele CA16616317.